The following is an entry in ClinVar:

NM_007175.8(ERLIN2):c.249G>T (p.Met83Ile)

Gene: ERLIN2 (ER lipid raft associated 2; plus strand). Cytogenetic location: 8p11.23.
Variant type: single nucleotide variant.
Coding change: c.249G>T on transcript NM_007175.8 (MANE Select); coding-DNA position 249, G replaced by T.
Protein change: p.Met83Ile; replaces methionine 83 with isoleucine.
Molecular consequence: missense variant.
Genome position (GRCh38, 1-based): chr8:37,744,367, G>T. VCF-style: chr8-37744367-G-T. GRCh37 (hg19) VCF-style: chr8-37601885-G-T.
Other names: c.249G>T, p.Met83Ile (NM_001003790.4, NM_001003791.3, NM_001362878.2 and 1 more transcripts); c.249G>T (NM_007175.6); short protein forms M83I.
Identifiers: ClinVar variation 2054083 (VCV002054083.7), dbSNP rs1375945072, ClinGen allele CA370651785.

ClinVar aggregate classification (germline): Uncertain significance. Review status: criteria provided, multiple submitters, no conflicts (2 of 4 stars). 2 submissions from 2 submitters: Uncertain significance (2). Last evaluated 2025-11-13.

Conditions:
Inborn genetic diseases. Identifiers: MedGen C0950123, MeSH D030342.
Spastic paraplegia. Identifiers: MedGen C0037772, HP:0001258.

Allele frequency attached by ClinVar (database versions not stated): gnomAD 0.00001; TOPMed 0.00002.

Submissions (2):

Ambry Genetics
Classification: Uncertain significance for Inborn genetic diseases. Last evaluated: 2025-11-13. Review status: criteria provided, single submitter. Criteria: Ambry Variant Classification Scheme 2023. Collection method: clinical testing. Allele origin: germline.

Labcorp Genetics (formerly Invitae), Labcorp
Classification: Uncertain significance for Spastic paraplegia. Last evaluated: 2025-08-18. Review status: criteria provided, single submitter. Criteria: Invitae Variant Classification Sherloc (09022015). Collection method: clinical testing. Allele origin: germline.
Comment: This sequence change replaces methionine, which is neutral and non-polar, with isoleucine, which is neutral and non-polar, at codon 83 of the ERLIN2 protein (p.Met83Ile). This variant is present in population databases (no rsID available, gnomAD 0.003%). This variant has not been reported in the literature in individuals affected with ERLIN2-related conditions. ClinVar contains an entry for this variant (Variation ID: 2054083). Invitae Evidence Modeling of protein sequence and biophysical properties (such as structural, functional, and spatial information, amino acid conservation, physicochemical variation, residue mobility, and thermodynamic stability) indicates that this missense variant is not expected to disrupt ERLIN2 protein function with a negative predictive value of 80%. In summary, the available evidence is currently insufficient to determine the role of this variant in disease. Therefore, it has been classified as a Variant of Uncertain Significance.